The following is an entry in ClinVar:

NM_001330311.2(DVL1):c.536C>T (p.Ser179Phe)

Gene: DVL1 (dishevelled segment polarity protein 1; minus strand). Cytogenetic location: 1p36.33.
Variant type: single nucleotide variant.
Coding change: c.536C>T on transcript NM_001330311.2 (MANE Select); coding-DNA position 536, C replaced by T.
Protein change: p.Ser179Phe; replaces serine 179 with phenylalanine.
Molecular consequence: missense variant.
Genome position (GRCh38, 1-based): chr1:1,341,736, G>A on the plus strand (C>T on the coding strand, the complement: DVL1 is on the minus strand). VCF-style: chr1-1341736-G-A. GRCh37 (hg19) VCF-style: chr1-1277116-G-A.
Other names: c.536C>T (NM_004421.2); c.536C>T, p.Ser179Phe (NM_004421.3); short protein forms S179F.
Identifiers: ClinVar variation 2993604 (VCV002993604.4), dbSNP rs966017949, ClinGen allele CA16759746.

ClinVar aggregate classification (germline): Uncertain significance. Review status: criteria provided, multiple submitters, no conflicts (2 of 4 stars). 2 submissions from 2 submitters: Uncertain significance (2). Last evaluated 2024-12-30.

Conditions:
Inborn genetic diseases. Identifiers: MedGen C0950123, MeSH D030342.

Allele frequency attached by ClinVar (database versions not stated): gnomAD 0.00001; TOPMed 0.00003.

Submissions (2):

Labcorp Genetics (formerly Invitae), Labcorp
Classification: Uncertain significance. Last evaluated: 2024-12-30. Review status: criteria provided, single submitter. Criteria: Invitae Variant Classification Sherloc (09022015). Collection method: clinical testing. Allele origin: germline.
Comment: This sequence change replaces serine, which is neutral and polar, with phenylalanine, which is neutral and non-polar, at codon 179 of the DVL1 protein (p.Ser179Phe). This variant is not present in population databases (gnomAD no frequency). This variant has not been reported in the literature in individuals affected with DVL1-related conditions. ClinVar contains an entry for this variant (Variation ID: 2993604). Invitae Evidence Modeling of protein sequence and biophysical properties (such as structural, functional, and spatial information, amino acid conservation, physicochemical variation, residue mobility, and thermodynamic stability) has been performed for this missense variant. However, the output from this modeling did not meet the statistical confidence thresholds required to predict the impact of this variant on DVL1 protein function. In summary, the available evidence is currently insufficient to determine the role of this variant in disease. Therefore, it has been classified as a Variant of Uncertain Significance.

Ambry Genetics
Classification: Uncertain significance for Inborn genetic diseases. Last evaluated: 2024-06-26. Review status: criteria provided, single submitter. Criteria: Ambry Variant Classification Scheme 2023. Collection method: clinical testing. Allele origin: germline.